The following is an entry in ClinVar:

ClinVar aggregate classification (germline): Likely benign. Review status: criteria provided, multiple submitters, no conflicts (2 of 4 stars). 2 submissions from 2 submitters: Likely benign (2). Last evaluated 2026-06-01.

Conditions:
Niemann-Pick disease, type C1. Also called: NEUROVISCERAL STORAGE DISEASE WITH VERTICAL SUPRANUCLEAR OPHTHALMOPLEGIA; NIEMANN-PICK DISEASE WITH CHOLESTEROL ESTERIFICATION BLOCK; NIEMANN-PICK DISEASE WITHOUT SPHINGOMYELINASE DEFICIENCY; NIEMANN-PICK DISEASE, CHRONIC NEURONOPATHIC FORM; NIEMANN-PICK DISEASE, VARIANT TYPE C1. Identifiers: Orphanet 646, MedGen C3179455, MONDO:0009757, OMIM 257220.

Submissions (2):

CeGaT Center for Human Genetics Tuebingen
Classification: Likely benign. Last evaluated: 2026-06-01. Review status: criteria provided, single submitter. Criteria: CeGaT Center For Human Genetics Tuebingen Variant Classification Criteria Version 2. Collection method: clinical testing. Allele origin: germline. Affected: yes. Observed: 1 variant allele.
Comment: NPC1: PM2:Supporting, BP4, BP7

Labcorp Genetics (formerly Invitae), Labcorp
Classification: Likely benign for Niemann-Pick disease, type C1. Last evaluated: 2024-02-14. Review status: criteria provided, single submitter. Criteria: Invitae Variant Classification Sherloc (09022015). Collection method: clinical testing. Allele origin: germline.

NM_000271.5(NPC1):c.12C>T (p.Arg4=)

Gene: NPC1 (NPC intracellular cholesterol transporter 1; minus strand). Cytogenetic location: 18q11.2.
Variant type: single nucleotide variant.
Coding change: c.12C>T on transcript NM_000271.5 (MANE Select); coding-DNA position 12, C replaced by T.
Protein change: p.Arg4=; no amino-acid change (arginine 4 retained).
Molecular consequence: synonymous variant.
Genome position (GRCh38, 1-based): chr18:23,586,332, G>A on the plus strand (C>T on the coding strand, the complement: NPC1 is on the minus strand). VCF-style: chr18-23586332-G-A. GRCh37 (hg19) VCF-style: chr18-21166296-G-A.
Identifiers: ClinVar variation 3619947 (VCV003619947.4).
Genomic context (GRCh38, chr18:23,586,332, plus strand): 5'-CCGGCGACCGCTCACCTGCGCTGGACACAGTAGCAGCAGGAGGAGGCCAAGGGCCAGGCC[G>A]CGAGCGGTCATGCTGTGGCCGCGCAAGGCTGCTGACGCCGGCGGCGTTCGGCTGGTTGGG-3'
Protein context (NP_000262.2, residues 1-14): MTA[Arg4=]GLALGLLLLL